The following is an entry in ClinVar:

NM_021224.6(ZNF462):c.1646C>T (p.Pro549Leu)

Gene: ZNF462 (zinc finger protein 462; plus strand). Cytogenetic location: 9q31.2.
Variant type: single nucleotide variant.
Coding change: c.1646C>T on transcript NM_021224.6 (MANE Select); coding-DNA position 1646, C replaced by T.
Protein change: p.Pro549Leu; replaces proline 549 with leucine.
Molecular consequence: missense variant.
Genome position (GRCh38, 1-based): chr9:106,925,558, C>T. VCF-style: chr9-106925558-C-T. GRCh37 (hg19) VCF-style: chr9-109687839-C-T.
Other names: c.1646C>T, p.Pro549Leu (NM_001347997.2); c.1646C>T (NM_021224.5); short protein forms P549L.
Identifiers: ClinVar variation 2400837 (VCV002400837.28), dbSNP rs145644535, ClinGen allele CA5171370.
Genomic context (GRCh38, chr9:106,925,558, plus strand): 5'-AGTCAGGAGTCATGTTGGATCCCTTGCAGCAGCAACAGCCACCGCAGCCACCACCACCGC[C>T]GCCGCCACCACCACCATCACAGCCACAGCCACTGCAGCAGCCACAGCCACCACAGCTGCA-3'
Protein context (NP_067047.4, residues 539-559): QQQPPQPPPP[Pro549Leu]PPPPPSQPQP

ClinVar aggregate classification (germline): Likely benign. Review status: criteria provided, multiple submitters, no conflicts (2 of 4 stars). 4 submissions from 4 submitters: Likely benign (3). 1 of the submissions does not count toward it. Last evaluated 2026-03-01.

Conditions:
Inborn genetic diseases. Identifiers: MedGen C0950123, MeSH D030342.
ZNF462-related disorder. Also called: ZNF462-related condition; ZNF462 related disease.

Allele frequency attached by ClinVar (database versions not stated): 1000 Genomes Project 30x 0.00062; 1000 Genomes Project 0.00080; ExAC 0.00114; gnomAD 0.00156; TOPMed 0.00160; ESP Exome Variant Server 0.00185.
gnomAD v4.1: 3,086 of 1,612,228 alleles (0.19%); highest among the groups gnomAD compares: Non-Finnish European, 0.23%; 3 homozygotes.

Submissions (4):

CeGaT Center for Human Genetics Tuebingen
Classification: Likely benign. Last evaluated: 2026-03-01. Review status: criteria provided, single submitter. Criteria: CeGaT Center For Human Genetics Tuebingen Variant Classification Criteria Version 2. Collection method: clinical testing. Allele origin: germline. Affected: yes. Observed: 8 variant alleles.
Comment: ZNF462: BS1

Blueprint Genetics
Classification: Likely benign. Last evaluated: 2024-11-12. Review status: criteria provided, single submitter. Criteria: ACMG Guidelines, 2015. Collection method: clinical testing. Allele origin: germline.

Ambry Genetics
Classification: Likely benign for Inborn genetic diseases. Last evaluated: 2021-09-01. Review status: criteria provided, single submitter. Criteria: Ambry Variant Classification Scheme 2023. Collection method: clinical testing. Allele origin: germline.

PreventionGenetics, part of Exact Sciences
Classification: Likely benign for ZNF462-related condition. Last evaluated: 2021-03-09. Review status: no assertion criteria provided. Collection method: clinical testing. Allele origin: germline. Not counted in ClinVar's aggregate classification.
Comment: This variant is classified as likely benign based on ACMG/AMP sequence variant interpretation guidelines (Richards et al. 2015 PMID: 25741868, with internal and published modifications).